The following is an entry in ClinVar:

NM_002528.7(NTHL1):c.188C>T (p.Ser63Leu)

Gene: NTHL1 (nth like DNA glycosylase 1; minus strand). Cytogenetic location: 16p13.3.
Variant type: single nucleotide variant.
Coding change: c.188C>T on transcript NM_002528.7 (MANE Select); coding-DNA position 188, C replaced by T.
Protein change: p.Ser63Leu; replaces serine 63 with leucine.
Molecular consequence: missense variant.
Genome position (GRCh38, 1-based): chr16:2,046,294, G>A on the plus strand (C>T on the coding strand, the complement: NTHL1 is on the minus strand). VCF-style: chr16-2046294-G-A. GRCh37 (hg19) VCF-style: chr16-2096295-G-A.
Other names: c.188C>T, p.Ser63Leu (LRG_1366t1, NM_001318193.2); c.10C>T, p.Arg4Trp (NM_001318194.2); short protein forms S63L, R4W.
Identifiers: ClinVar variation 664518 (VCV000664518.20), dbSNP rs746458904, ClinGen allele CA7828345.

ClinVar aggregate classification (germline): Conflicting classifications of pathogenicity. Review status: criteria provided, conflicting classifications (1 of 4 stars). 6 submissions from 6 submitters: Uncertain significance (5); Likely benign (1). Last evaluated 2026-02-02.

Conditions:
NTHL1-related disorder. Also called: NTHL1-related condition; NTHL1-related conditions.
Hereditary cancer-predisposing syndrome. Also called: Tumor predisposition; Hereditary neoplastic syndrome; Hereditary Cancer Syndrome; Neoplastic Syndromes, Hereditary. Identifiers: Orphanet 140162, MedGen C0027672, MeSH D009386, MONDO:0015356.

Allele frequency attached by ClinVar (database versions not stated): ExAC 0.00002; TOPMed 0.00003; gnomAD 0.00004; gnomAD exomes 0.00004.
gnomAD v4.1: 53 of 1,613,032 alleles (0.0033%); highest among the groups gnomAD compares: African/African-American, 0.004%; no homozygotes.

Submissions (6):

Labcorp Genetics (formerly Invitae), Labcorp
Classification: Uncertain significance. Last evaluated: 2026-02-02. Review status: criteria provided, single submitter. Criteria: Invitae Variant Classification Sherloc (09022015). Collection method: clinical testing. Allele origin: germline.
Comment: This sequence change replaces serine, which is neutral and polar, with leucine, which is neutral and non-polar, at codon 71 of the NTHL1 protein (p.Ser71Leu). This variant is present in population databases (rs746458904, gnomAD 0.008%). This missense change has been observed in individual(s) with breast cancer (PMID: 33980861). ClinVar contains an entry for this variant (Variation ID: 664518). An algorithm developed to predict the effect of missense changes on protein structure and function outputs the following: PolyPhen-2: "Benign". The leucine amino acid residue is found in multiple mammalian species, which suggests that this missense change does not adversely affect protein function. In summary, the available evidence is currently insufficient to determine the role of this variant in disease. Therefore, it has been classified as a Variant of Uncertain Significance.

Quest Diagnostics Nichols Institute San Juan Capistrano
Classification: Uncertain significance. Last evaluated: 2025-11-05. Review status: criteria provided, single submitter. Criteria: Quest Diagnostics criteria. Collection method: clinical testing. Allele origin: unknown.
Comment: The NTHL1 c.212C>T (p.Ser71Leu) variant has been reported in the published literature in reportedly unaffected individuals and individuals with breast cancer (PMID: 33980861 (2021)). The frequency of this variant in the general population (Genome Aggregation Database) is uninformative in the assessment of its pathogenicity. Analysis of this variant using bioinformatics tools for the prediction of the effect of amino acid changes on protein structure and function yielded predictions that this variant is benign. Based on the available information, we are unable to determine the clinical significance of this variant.

PreventionGenetics, part of Exact Sciences
Classification: Uncertain significance for NTHL1-related condition. Last evaluated: 2025-06-18. Review status: criteria provided, single submitter. Criteria: ACMG Guidelines, 2015. Collection method: clinical testing. Allele origin: germline.
Comment: The NTHL1 c.212C>T variant is predicted to result in the amino acid substitution p.Ser71Leu. This variant has been reported in the literature in both cases and controls in a breast cancer study (Supp. Table 6, Li et al. 2021. PubMed ID: 33980861) and in an individual with breast cancer that also had a PALB2 pathogenic variant (Masanam et al. 2022. PubMed ID: 38751533). This variant is reported in 0.0080% of alleles in individuals of African descent in gnomAD. This variant has conflicting interpretations in ClinVar ranging from uncertain to likely benign. At this time, the clinical significance of this variant is uncertain due to the absence of conclusive functional and genetic evidence.

GeneDx
Classification: Uncertain significance. Last evaluated: 2025-06-04. Review status: criteria provided, single submitter. Criteria: GeneDx Variant Classification Process June 2021. Collection method: clinical testing. Allele origin: germline. Affected: yes.
Comment: Not observed at significant frequency in large population cohorts (gnomAD); In silico analysis suggests that this missense variant does not alter protein structure/function; Observed in individuals with breast cancer, as well as in control group (PMID: 33980861); This variant is associated with the following publications: (PMID: 28098136, 33980861)

Ambry Genetics
Classification: Likely benign for Hereditary cancer-predisposing syndrome. Last evaluated: 2024-03-07. Review status: criteria provided, single submitter. Criteria: Ambry Variant Classification Scheme 2023. Collection method: clinical testing. Allele origin: germline.

Sema4
Classification: Uncertain significance for Hereditary cancer-predisposing syndrome. Last evaluated: 2021-11-04. Review status: criteria provided, single submitter. Criteria: Sema4 Curation Guidelines. Collection method: curation. Allele origin: germline.
Comment: The NTHL1 c.212C>T (p.S71L) variant has been reported in heterozygosity in at least two individuals with breast cancer (PMID: 33980861). It was observed in 2/24926 chromosomes of the African/African American subpopulation in the large and broad cohorts of the Genome Aggregation Database (PMID: 32461654). The variant has been reported in ClinVar (Variation ID 664518). In silico tools suggest the impact of the variant on protein function is benign, though these predictions have not been confirmed by functional studies. The evidence is insufficient to meet ACMG/AMP criteria for classifying the variant as benign or pathogenic. Thus, the clinical significance of this variant is currently uncertain.

Literature cited by the submitters: PubMed 33980861 (cited by 3 submitters).